The following is an entry in ClinVar:

NM_006060.6(IKZF1):c.1367G>T (p.Gly456Val)

Gene: IKZF1 (IKAROS family zinc finger 1; plus strand). Cytogenetic location: 7p12.2.
Variant type: single nucleotide variant.
Coding change: c.1367G>T on transcript NM_006060.6 (MANE Select); coding-DNA position 1367, G replaced by T.
Protein change: p.Gly456Val; replaces glycine 456 with valine.
Molecular consequence: missense variant.
Genome position (GRCh38, 1-based): chr7:50,400,434, G>T. VCF-style: chr7-50400434-G-T. GRCh37 (hg19) VCF-style: chr7-50468132-G-T.
Other names: c.1241G>T, p.Gly414Val (NM_001220765.3, NM_001291837.2); c.1076G>T, p.Gly359Val (NM_001220767.2); c.1106G>T, p.Gly369Val (NM_001220768.2, NM_001291838.2); c.950G>T, p.Gly317Val (NM_001220770.2); c.938G>T, p.Gly313Val (NM_001220771.2, NM_001291841.1); c.980G>T, p.Gly327Val (NM_001291839.2); c.677G>T, p.Gly226Val (NM_001291840.1); c.908G>T, p.Gly303Val (NM_001291842.1); and 3 more; short protein forms G303V, G359V, G261V, G313V, G327V, G456V, G226V, G317V.
Identifiers: ClinVar variation 4728303 (VCV004728303.1).

ClinVar aggregate classification (germline): Uncertain significance (1 of 4 stars; one submission).

Submission:

Labcorp Genetics (formerly Invitae), Labcorp
Classification: Uncertain significance. Last evaluated: 2025-11-01. Review status: criteria provided, single submitter. Criteria: Invitae Variant Classification Sherloc (09022015). Collection method: clinical testing. Allele origin: germline.
Comment: This sequence change replaces glycine, which is neutral and non-polar, with valine, which is neutral and non-polar, at codon 456 of the IKZF1 protein (p.Gly456Val). This variant is not present in population databases (gnomAD no frequency). This variant has not been reported in the literature in individuals affected with IKZF1-related conditions. An algorithm developed to predict the effect of missense changes on protein structure and function (PolyPhen-2) suggests that this variant is likely to be disruptive. In summary, the available evidence is currently insufficient to determine the role of this variant in disease. Therefore, it has been classified as a Variant of Uncertain Significance.